The following is an entry in ClinVar:

NM_001128840.3(CACNA1D):c.4793A>G (p.Asp1598Gly)

Gene: CACNA1D (calcium voltage-gated channel subunit alpha1 D; plus strand). Cytogenetic location: 3p21.1.
Variant type: single nucleotide variant.
Coding change: c.4793A>G on transcript NM_001128840.3 (MANE Select); coding-DNA position 4793, A replaced by G.
Protein change: p.Asp1598Gly; replaces aspartic acid 1598 with glycine.
Molecular consequence: missense variant.
Genome position (GRCh38, 1-based): chr3:53,786,822, A>G. VCF-style: chr3-53786822-A-G. GRCh37 (hg19) VCF-style: chr3-53820849-A-G.
Other names: c.4853A>G, p.Asp1618Gly (NM_000720.4); c.4748A>G, p.Asp1583Gly (NM_001128839.3); short protein forms D1583G, D1598G, D1618G.
Identifiers: ClinVar variation 2113774 (VCV002113774.4), dbSNP rs2095456203, ClinGen allele CA353247085.

ClinVar aggregate classification (germline): Uncertain significance (1 of 4 stars; one submission).

Allele frequency attached by ClinVar (database versions not stated): gnomAD exomes below 0.00001.
gnomAD v4.1: 1 of 1,586,280 alleles (0.000063%); highest among the groups gnomAD compares: Non-Finnish European, 0.000086%; no homozygotes.

Submission:

Labcorp Genetics (formerly Invitae), Labcorp
Classification: Uncertain significance. Last evaluated: 2022-03-18. Review status: criteria provided, single submitter. Criteria: Invitae Variant Classification Sherloc (09022015). Collection method: clinical testing. Allele origin: germline.
Comment: This variant is not present in population databases (gnomAD no frequency). This sequence change replaces aspartic acid, which is acidic and polar, with glycine, which is neutral and non-polar, at codon 1618 of the CACNA1D protein (p.Asp1618Gly). This variant has not been reported in the literature in individuals affected with CACNA1D-related conditions. In summary, the available evidence is currently insufficient to determine the role of this variant in disease. Therefore, it has been classified as a Variant of Uncertain Significance. Algorithms developed to predict the effect of sequence changes on RNA splicing suggest that this variant may create or strengthen a splice site. Algorithms developed to predict the effect of missense changes on protein structure and function are either unavailable or do not agree on the potential impact of this missense change (SIFT: "Deleterious"; PolyPhen-2: "Probably Damaging"; Align-GVGD: "Class C15").